The following is an entry in ClinVar:

ClinVar aggregate classification (germline): Conflicting classifications of pathogenicity. Review status: criteria provided, conflicting classifications (1 of 4 stars). 2 submissions from 2 submitters: Uncertain significance (1); Likely benign (1). Last evaluated 2025-06-08.

Allele frequency attached by ClinVar (database versions not stated): gnomAD 0.00002; TOPMed 0.00002.
gnomAD v4.1: 12 of 1,613,966 alleles (0.00074%); highest among the groups gnomAD compares: South Asian, 0.0033%; no homozygotes.

Submissions (2):

Labcorp Genetics (formerly Invitae), Labcorp
Classification: Uncertain significance. Last evaluated: 2025-06-08. Review status: criteria provided, single submitter. Criteria: Invitae Variant Classification Sherloc (09022015). Collection method: clinical testing. Allele origin: germline.
Comment: This sequence change replaces proline, which is neutral and non-polar, with leucine, which is neutral and non-polar, at codon 830 of the MICAL1 protein (p.Pro830Leu). This variant is present in population databases (rs200911086, gnomAD 0.006%). This variant has not been reported in the literature in individuals affected with MICAL1-related conditions. ClinVar contains an entry for this variant (Variation ID: 1895633). An algorithm developed to predict the effect of missense changes on protein structure and function outputs the following: PolyPhen-2: "Benign". The leucine amino acid residue is found in multiple mammalian species, which suggests that this missense change does not adversely affect protein function. In summary, the available evidence is currently insufficient to determine the role of this variant in disease. Therefore, it has been classified as a Variant of Uncertain Significance.

Ambry Genetics
Classification: Likely benign. Last evaluated: 2023-06-22. Review status: criteria provided, single submitter. Criteria: Ambry Variant Classification Scheme 2023. Collection method: clinical testing. Allele origin: germline.

NM_022765.4(MICAL1):c.2432C>T (p.Pro811Leu)

Gene: MICAL1 (microtubule associated monooxygenase, calponin and LIM domain containing 1; minus strand). Cytogenetic location: 6q21.
Variant type: single nucleotide variant.
Coding change: c.2432C>T on transcript NM_022765.4 (MANE Select); coding-DNA position 2432, C replaced by T.
Protein change: p.Pro811Leu; replaces proline 811 with leucine.
Molecular consequence: missense variant.
Genome position (GRCh38, 1-based): chr6:109,446,285, G>A on the plus strand (C>T on the coding strand, the complement: MICAL1 is on the minus strand). VCF-style: chr6-109446285-G-A. GRCh37 (hg19) VCF-style: chr6-109767488-G-A.
Other names: c.2174C>T, p.Pro725Leu (NM_001159291.2); c.2489C>T, p.Pro830Leu (NM_001286613.2); c.2432C>T (NM_022765.3); short protein forms P830L, P725L, P811L.
Identifiers: ClinVar variation 1895633 (VCV001895633.7), dbSNP rs200911086, ClinGen allele CA145117288.